The following is an entry in ClinVar:

NM_002150.3(HPD):c.414+1G>C

Genes: HPD (4-hydroxyphenylpyruvate dioxygenase; minus strand), TIALD (transcript inducer of AURKA lysosomal degradation; plus strand). Cytogenetic location: 12q24.31.
Variant type: single nucleotide variant.
Coding change: c.414+1G>C on transcript NM_002150.3 (MANE Select); the canonical splice donor site of the intron after coding-DNA position 414, G replaced by C.
Molecular consequence: splice donor variant.
Genome position (GRCh38, 1-based): chr12:121,854,702, C>G on the plus strand (G>C on the coding strand, the complement: HPD is on the minus strand). VCF-style: chr12-121854702-C-G. GRCh37 (hg19) VCF-style: chr12-122292608-C-G.
Other names: c.297+1G>C (NM_001171993.2).
Identifiers: ClinVar variation 2939266 (VCV002939266.3), dbSNP rs113472814, ClinGen allele CA244618235.
Genomic context (GRCh38, chr12:121,854,702, plus strand): 5'-GGCTCCTGGCATCTCAGTGGTGCCGACAGCAGGAGGGGTGGGGGCACCAAAGGGAACTCA[C>G]CGTCTGCAGCACAGCAAACTTCACCTTCCCAAACTTGTCTTGCTCTACCCAGGGCTCCCG-3'

ClinVar aggregate classification (germline): Likely pathogenic (1 of 4 stars; one submission).

Conditions:
Hawkinsinuria. Identifiers: Orphanet 2118, MedGen C2931042, MONDO:0007700, OMIM 140350, HP:0034457.
Tyrosinemia type III. Also called: Tyrosinemia type 3; 4-alpha hydroxyphenylpyruvic acid oxidase deficiency; 4-alpha hydroxyphenylpyruvate dioxygenase deficiency; 4-Hydroxyphenylpyruvate dioxygenase deficiency; 4-HYDROXYPHENYLPYRUVIC ACID OXIDASE DEFICIENCY. Identifiers: Orphanet 69723, MedGen C0268623, MONDO:0010162, OMIM 276710.

Allele frequency attached by ClinVar (database versions not stated): gnomAD 0.00001; TOPMed 0.00001.
gnomAD v4.1: 1 of 1,610,688 alleles (0.000062%); highest among the groups gnomAD compares: African/African-American, 0.0013%; no homozygotes.

Submission:

Labcorp Genetics (formerly Invitae), Labcorp
Classification: Likely pathogenic for Tyrosinemia type III; Hawkinsinuria. Last evaluated: 2023-03-22. Review status: criteria provided, single submitter. Criteria: Invitae Variant Classification Sherloc (09022015). Collection method: clinical testing. Allele origin: germline.
Comment: This sequence change affects a donor splice site in intron 7 of the HPD gene. It is expected to disrupt RNA splicing. Variants that disrupt the donor or acceptor splice site typically lead to a loss of protein function (PMID: 16199547), and loss-of-function variants in HPD are known to be pathogenic (PMID: 10942115, 23036342). This variant is not present in population databases (gnomAD no frequency). This variant has not been reported in the literature in individuals affected with HPD-related conditions. Algorithms developed to predict the effect of sequence changes on RNA splicing suggest that this variant may disrupt the consensus splice site. In summary, the currently available evidence indicates that the variant is pathogenic, but additional data are needed to prove that conclusively. Therefore, this variant has been classified as Likely Pathogenic.

Literature cited by the submitters: PubMed 16199547; PubMed 10942115; PubMed 23036342.